The following is an entry in ClinVar:

ClinVar aggregate classification (germline): Uncertain significance (1 of 4 stars; one submission).

Allele frequency attached by ClinVar (database versions not stated): TOPMed below 0.00001; gnomAD 0.00003; gnomAD exomes 0.00006; ExAC 0.00004; 1000 Genomes Project 30x 0.00016; 1000 Genomes Project 0.00020.
gnomAD v4.1: 37 of 1,568,102 alleles (0.0024%); highest among the groups gnomAD compares: East Asian, 0.076%; no homozygotes.

Submission:

Labcorp Genetics (formerly Invitae), Labcorp
Classification: Uncertain significance. Last evaluated: 2025-08-15. Review status: criteria provided, single submitter. Criteria: Invitae Variant Classification Sherloc (09022015). Collection method: clinical testing. Allele origin: germline.
Comment: This sequence change falls in intron 14 of the ATP1A1 gene. It does not directly change the encoded amino acid sequence of the ATP1A1 protein. It affects a nucleotide within the consensus splice site. This variant is present in population databases (rs572892609, gnomAD 0.05%). This variant has not been reported in the literature in individuals affected with ATP1A1-related conditions. ClinVar contains an entry for this variant (Variation ID: 2096352). Variants that disrupt the consensus splice site are a relatively common cause of aberrant splicing (PMID: 17576681, 9536098). Algorithms developed to predict the effect of sequence changes on RNA splicing suggest that this variant is not likely to affect RNA splicing. In summary, the available evidence is currently insufficient to determine the role of this variant in disease. Therefore, it has been classified as a Variant of Uncertain Significance.

Literature cited by the submitters: PubMed 17576681; PubMed 9536098.

NM_000701.8(ATP1A1):c.1973+3A>G

Genes: ATP1A1 (ATPase Na+/K+ transporting subunit alpha 1; plus strand), ATP1A1-AS1 (ATP1A1 antisense RNA 1; minus strand). Cytogenetic location: 1p13.1.
Variant type: single nucleotide variant.
Coding change: c.1973+3A>G on transcript NM_000701.8 (MANE Select); 3 bases into the intron after coding-DNA position 1973, A replaced by G.
Molecular consequence: intron variant.
Genome position (GRCh38, 1-based): chr1:116,396,737, A>G. VCF-style: chr1-116396737-A-G. GRCh37 (hg19) VCF-style: chr1-116939359-A-G.
Other names: c.1973+3A>G (NM_001160233.2); c.1880+3A>G (NM_001160234.2).
Identifiers: ClinVar variation 2096352 (VCV002096352.4), dbSNP rs572892609, ClinGen allele CA1025424.